The following is an entry in ClinVar:

ClinVar aggregate classification (germline): Uncertain significance. Review status: criteria provided, multiple submitters, no conflicts (2 of 4 stars). 5 submissions from 5 submitters: Uncertain significance (5). Last evaluated 2026-05-26.

Conditions:
PLEC-related disorder. Also called: PLEC-related disorders; PLEC-related condition.
Epidermolysis bullosa simplex with nail dystrophy (EBS5D). Identifiers: MedGen C4225309, MONDO:0014661, OMIM 616487.
Autosomal recessive limb-girdle muscular dystrophy type 2Q (LGMDR17). Also called: MUSCULAR DYSTROPHY, LIMB-GIRDLE, AUTOSOMAL RECESSIVE 17. Identifiers: Orphanet 254361, MedGen C3150989, MONDO:0013390, OMIM 613723.
Epidermolysis bullosa simplex 5C, with pyloric atresia (EBS5C). Also called: PLEC-Related Epidermolysis Bullosa with Pyloric Atresia; Epidermolysis bullosa simplex with pyloric atresia; PLEC1-Related Epidermolysis Bullosa with Pyloric Atresia. Identifiers: Orphanet 158684, MedGen C2677349, MONDO:0012807, OMIM 612138.
Epidermolysis bullosa simplex 5B, with muscular dystrophy (EBS5B). Also called: EPIDERMOLYSIS BULLOSA SIMPLEX AND LIMB-GIRDLE MUSCULAR DYSTROPHY; Epidermolysis bullosa simplex with muscular dystrophy. Identifiers: Orphanet 257, MedGen C2931072, MONDO:0009181, OMIM 226670.
Epidermolysis bullosa simplex, Ogna type (EBS5A). Also called: Pidermolysis bullosa simplex 5A, Ogna type; EPIDERMOLYSIS BULLOSA SIMPLEX 5A, OGNA TYPE. Identifiers: Orphanet 79401, MedGen C0432317, MONDO:0007555, OMIM 131950.

Allele frequency attached by ClinVar (database versions not stated): ExAC 0.00014; 1000 Genomes Project 30x 0.00047; gnomAD 0.00048 and 0.00051; TOPMed 0.00053; ESP Exome Variant Server 0.00056; 1000 Genomes Project 0.00060.

Submissions (5):

PreventionGenetics, part of Exact Sciences
Classification: Uncertain significance for PLEC-related condition. Last evaluated: 2026-05-26. Review status: criteria provided, single submitter. Criteria: ACMG Guidelines, 2015. Collection method: clinical testing. Allele origin: germline.
Comment: The PLEC c.10543G>A variant is predicted to result in the amino acid substitution p.Ala3515Thr. To our knowledge, this variant has not been reported in the literature. This variant is reported in 0.14% of alleles in individuals of African descent in gnomAD. Although we suspect that this variant may be benign, at this time, the clinical significance of this variant is uncertain due to the absence of conclusive functional and genetic evidence.

Labcorp Genetics (formerly Invitae), Labcorp
Classification: Uncertain significance for Autosomal recessive limb-girdle muscular dystrophy type 2Q; Epidermolysis bullosa simplex, Ogna type; Epidermolysis bullosa simplex with nail dystrophy; Epidermolysis bullosa simplex 5C, with pyloric atresia; Epidermolysis bullosa simplex 5B, with muscular dystrophy. Last evaluated: 2025-11-01. Review status: criteria provided, single submitter. Criteria: Invitae Variant Classification Sherloc (09022015). Collection method: clinical testing. Allele origin: germline.
Comment: This sequence change replaces alanine, which is neutral and non-polar, with threonine, which is neutral and polar, at codon 3515 of the PLEC protein (p.Ala3515Thr). This variant is present in population databases (rs201390770, gnomAD 0.2%). This variant has not been reported in the literature in individuals affected with PLEC-related conditions. ClinVar contains an entry for this variant (Variation ID: 282309). Invitae Evidence Modeling of protein sequence and biophysical properties (such as structural, functional, and spatial information, amino acid conservation, physicochemical variation, residue mobility, and thermodynamic stability) indicates that this missense variant is not expected to disrupt PLEC protein function with a negative predictive value of 80%. In summary, the available evidence is currently insufficient to determine the role of this variant in disease. Therefore, it has been classified as a Variant of Uncertain Significance.

Blueprint Genetics
Classification: Uncertain significance. Last evaluated: 2024-10-09. Review status: criteria provided, single submitter. Criteria: ACMG Guidelines, 2015. Collection method: clinical testing. Allele origin: germline.

Revvity Omics, Revvity
Classification: Uncertain significance. Last evaluated: 2019-07-10. Review status: criteria provided, single submitter. Criteria: ACMG Guidelines, 2015. Collection method: clinical testing. Allele origin: germline.

Eurofins Ntd Llc (ga)
Classification: Uncertain significance. Last evaluated: 2015-08-21. Review status: criteria provided, single submitter. Criteria: EGL Classification Definitions 2015. Collection method: clinical testing. Allele origin: germline. Observed: 3 variant alleles, 3 heterozygotes.

NM_201384.3(PLEC):c.10462G>A (p.Ala3488Thr)

Gene: PLEC (plectin; minus strand). Cytogenetic location: 8q24.3.
Variant type: single nucleotide variant.
Coding change: c.10462G>A on transcript NM_201384.3 (MANE Select); coding-DNA position 10462, G replaced by A.
Protein change: p.Ala3488Thr; replaces alanine 3488 with threonine.
Molecular consequence: missense variant.
Genome position (GRCh38, 1-based): chr8:143,919,359, C>T on the plus strand (G>A on the coding strand, the complement: PLEC is on the minus strand). VCF-style: chr8-143919359-C-T. GRCh37 (hg19) VCF-style: chr8-144993527-C-T.
Other names: c.10543G>A, p.Ala3515Thr (NM_000445.5); c.10420G>A, p.Ala3474Thr (NM_201378.4); c.10396G>A, p.Ala3466Thr (NM_201379.3); c.10873G>A, p.Ala3625Thr (NM_201380.4); c.10366G>A, p.Ala3456Thr (NM_201381.3); c.10462G>A, p.Ala3488Thr (NM_201382.4); c.10474G>A, p.Ala3492Thr (NM_201383.3); short protein forms A3456T, A3488T, A3474T, A3515T, A3625T, A3466T, A3492T.
Identifiers: ClinVar variation 282309 (VCV000282309.18), dbSNP rs201390770, ClinGen allele CA4924644.